The following is an entry in ClinVar:

ClinVar aggregate classification (germline): Uncertain significance (1 of 4 stars; one submission).

Submission:

GeneDx
Classification: Uncertain significance. Last evaluated: 2023-12-28. Review status: criteria provided, single submitter. Criteria: GeneDx Variant Classification Process June 2021. Collection method: clinical testing. Allele origin: germline. Affected: yes.
Comment: Not observed at significant frequency in large population cohorts (gnomAD); In-frame deletion of 4 amino acids in a non-repeat region; In silico analysis supports that this variant does not alter protein structure/function; Has not been previously published as pathogenic or benign to our knowledge

NM_001267550.2(TTN):c.47004_47012del (p.Glu15668_Phe15670del)

Genes: TTN (titin; minus strand), TTN-AS1 (TTN antisense RNA 1; plus strand). Cytogenetic location: 2q31.2.
Variant type: Deletion.
Coding change: c.47004_47012del on transcript NM_001267550.2 (MANE Select); coding-DNA positions 47004 to 47012, 9 bases deleted (AACATTTGA; older notation c.47004_47012delAACATTTGA).
Protein change: p.Glu15668_Phe15670del.
Molecular consequence: inframe deletion. On other transcripts: inframe indel (1).
Genome position (GRCh38, 1-based): chr2:178,618,446-178,618,454, TCAAATGTT deleted on the plus strand (AACATTTGA on the coding strand, the reverse complement: TTN is on the minus strand); deleting any 9 consecutive bases within chr2:178,618,446-178,618,456 gives the same sequence; the c. name uses the placement nearest the transcript's 3' end. VCF-style (leftmost placement, unchanged base first): chr2-178618445-ATCAAATGTT-A. GRCh37 (hg19) VCF-style: chr2-179483172-ATCAAATGTT-A.
Other names: c.42081_42089del, p.Glu14027_Phe14029del (NM_001256850.1); c.47002_47010delGAAACATTT, p.Glu15668_Phe15670del (NM_001267550.1); c.19809_19817del, p.Glu6603_Phe6605del (NM_003319.4); c.39300_39308del, p.Glu13100_Phe13102del (NM_133378.4); c.20184_20192del, p.Glu6728_Phe6730del (NM_133432.3); c.20385_20393del, p.Glu6795_Phe6797del (NM_133437.4).
Identifiers: ClinVar variation 3370064 (VCV003370064.1).